The following is an entry in ClinVar:

ClinVar aggregate classification (germline): Conflicting classifications of pathogenicity. Review status: criteria provided, conflicting classifications (1 of 4 stars). 2 submissions from 2 submitters: Uncertain significance (1); Likely benign (1). Last evaluated 2026-06-30.

Conditions:
Autosomal recessive limb-girdle muscular dystrophy type 2J (LGMDR10). Also called: Limb-girdle muscular dystrophy, type 2J; MUSCULAR DYSTROPHY, LIMB-GIRDLE, AUTOSOMAL RECESSIVE 10. Identifiers: Orphanet 140922, MedGen C1837342, MONDO:0012127, OMIM 608807.
Dilated cardiomyopathy 1G (CMD1G). Identifiers: Orphanet 154, MedGen C1858763, MONDO:0011400, OMIM 604145.
TTN-related disorder. Also called: TTN-related condition; TTN-related disease; TTN-related disorders.

Allele frequency attached by ClinVar (database versions not stated): TOPMed below 0.00001; gnomAD 0.00003; gnomAD exomes 0.00005.

Submissions (2):

PreventionGenetics, part of Exact Sciences
Classification: Likely benign for TTN-related condition. Last evaluated: 2026-06-30. Review status: criteria provided, single submitter. Criteria: ACMG Guidelines, 2015. Collection method: clinical testing. Allele origin: germline.
Comment: This variant is classified as likely benign based on ACMG/AMP sequence variant interpretation guidelines (Richards et al. 2015 PMID: 25741868, with internal and published modifications).

Labcorp Genetics (formerly Invitae), Labcorp
Classification: Uncertain significance for Dilated cardiomyopathy 1G; Autosomal recessive limb-girdle muscular dystrophy type 2J. Last evaluated: 2017-04-12. Review status: criteria provided, single submitter. Criteria: Invitae Variant Classification Sherloc (09022015). Collection method: clinical testing. Allele origin: germline.

NM_001267550.2(TTN):c.35959+5C>T

Gene: TTN (titin; minus strand). Cytogenetic location: 2q31.2.
Variant type: single nucleotide variant.
Coding change: c.35959+5C>T on transcript NM_001267550.2 (MANE Select); 5 bases into the intron after coding-DNA position 35959, C replaced by T.
Molecular consequence: intron variant.
Genome position (GRCh38, 1-based): chr2:178,665,703, G>A on the plus strand (C>T on the coding strand, the complement: TTN is on the minus strand). VCF-style: chr2-178665703-G-A. GRCh37 (hg19) VCF-style: chr2-179530430-G-A.
Other names: c.13283-23386C>T (NM_003319.4); c.13859-23386C>T (NM_133437.4); c.13658-23386C>T (NM_133432.3); c.31484-2648C>T (NM_133378.4); c.34265-2648C>T (NM_001256850.1).
Identifiers: ClinVar variation 467059 (VCV000467059.4), dbSNP rs758684276, ClinGen allele CA60975376.